The following is an entry in ClinVar:

ClinVar aggregate classification (germline): Uncertain significance (1 of 4 stars; one submission).

Conditions:
Dyskeratosis congenita. Identifiers: Orphanet 1775, MedGen C0265965, MONDO:0015780.

Allele frequency attached by ClinVar (database versions not stated): TOPMed below 0.00001; ExAC 0.00001; gnomAD 0.00001; gnomAD exomes 0.00001.
gnomAD v4.1: 8 of 1,606,466 alleles (0.0005%); highest among the groups gnomAD compares: East Asian, 0.0022%; no homozygotes.

Submission:

Labcorp Genetics (formerly Invitae), Labcorp
Classification: Uncertain significance for Dyskeratosis congenita. Last evaluated: 2023-10-13. Review status: criteria provided, single submitter. Criteria: Invitae Variant Classification Sherloc (09022015). Collection method: clinical testing. Allele origin: germline.
Comment: This sequence change affects codon 112 of the NHP2 mRNA. It is a 'silent' change, meaning that it does not change the encoded amino acid sequence of the NHP2 protein. This variant also falls at the last nucleotide of exon 3, which is part of the consensus splice site for this exon. This variant is present in population databases (rs746472214, gnomAD 0.003%). This variant has not been reported in the literature in individuals affected with NHP2-related conditions. ClinVar contains an entry for this variant (Variation ID: 1516131). Variants that disrupt the consensus splice site are a relatively common cause of aberrant splicing (PMID: 17576681, 9536098). Algorithms developed to predict the effect of sequence changes on RNA splicing suggest that this variant may disrupt the consensus splice site. In summary, the available evidence is currently insufficient to determine the role of this variant in disease. Therefore, it has been classified as a Variant of Uncertain Significance.

Literature cited by the submitters: PubMed 17576681; PubMed 9536098.

NM_017838.4(NHP2):c.336G>A (p.Thr112=)

Gene: NHP2 (NHP2 ribonucleoprotein; minus strand). Cytogenetic location: 5q35.3.
Variant type: single nucleotide variant.
Coding change: c.336G>A on transcript NM_017838.4 (MANE Select); coding-DNA position 336, G replaced by A.
Protein change: p.Thr112=; no amino-acid change (threonine 112 retained).
Molecular consequence: synonymous variant. On other transcripts: intron variant (1).
Genome position (GRCh38, 1-based): chr5:178,150,888, C>T on the plus strand (G>A on the coding strand, the complement: NHP2 is on the minus strand). VCF-style: chr5-178150888-C-T. GRCh37 (hg19) VCF-style: chr5-177577889-C-T.
Other names: c.231-1050G>A (NM_001034833.2).
Identifiers: ClinVar variation 1516131 (VCV001516131.5), dbSNP rs746472214, ClinGen allele CA3589176.